The following is an entry in ClinVar:

NM_004380.3(CREBBP):c.1571T>A (p.Leu524Gln)

Gene: CREBBP (CREB binding lysine acetyltransferase; minus strand). Cytogenetic location: 16p13.3.
Variant type: single nucleotide variant.
Coding change: c.1571T>A on transcript NM_004380.3 (MANE Select); coding-DNA position 1571, T replaced by A.
Protein change: p.Leu524Gln; replaces leucine 524 with glutamine.
Molecular consequence: missense variant.
Genome position (GRCh38, 1-based): chr16:3,782,686, A>T on the plus strand (T>A on the coding strand, the complement: CREBBP is on the minus strand). VCF-style: chr16-3782686-A-T. GRCh37 (hg19) VCF-style: chr16-3832687-A-T.
Other names: c.1457T>A, p.Leu486Gln (NM_001079846.1); short protein forms L486Q, L524Q.
Identifiers: ClinVar variation 3675321 (VCV003675321.2).

ClinVar aggregate classification (germline): Uncertain significance (1 of 4 stars; one submission).

Conditions:
Rubinstein-Taybi syndrome (RSTS). Identifiers: Orphanet 783, MedGen C0035934, MONDO:0019188.

Submission:

Labcorp Genetics (formerly Invitae), Labcorp
Classification: Uncertain significance for Rubinstein-Taybi syndrome. Last evaluated: 2024-07-23. Review status: criteria provided, single submitter. Criteria: Invitae Variant Classification Sherloc (09022015). Collection method: clinical testing. Allele origin: germline.
Comment: This sequence change replaces leucine, which is neutral and non-polar, with glutamine, which is neutral and polar, at codon 524 of the CREBBP protein (p.Leu524Gln). This variant is not present in population databases (gnomAD no frequency). This variant has not been reported in the literature in individuals affected with CREBBP-related conditions. An algorithm developed to predict the effect of missense changes on protein structure and function (PolyPhen-2) suggests that this variant is likely to be disruptive. In summary, the available evidence is currently insufficient to determine the role of this variant in disease. Therefore, it has been classified as a Variant of Uncertain Significance.